The following is an entry in ClinVar:

ClinVar aggregate classification (germline): Likely benign. Review status: criteria provided, single submitter (1 of 4 stars). 2 submissions from 2 submitters: Likely benign (1). 1 of the submissions does not count toward it. Last evaluated 2023-02-21.

Conditions:
NUP205-related disorder. Also called: NUP205-related condition.

Allele frequency attached by ClinVar (database versions not stated): gnomAD 0.00001; TOPMed 0.00002.
gnomAD v4.1: 25 of 1,613,806 alleles (0.0015%); highest among the groups gnomAD compares: South Asian, 0.0055%; no homozygotes.

Submissions (2):

Labcorp Genetics (formerly Invitae), Labcorp
Classification: Likely benign. Last evaluated: 2023-02-21. Review status: criteria provided, single submitter. Criteria: Invitae Variant Classification Sherloc (09022015). Collection method: clinical testing. Allele origin: germline.

PreventionGenetics, part of Exact Sciences
Classification: Likely benign for NUP205-related condition. Last evaluated: 2021-10-12. Review status: no assertion criteria provided. Collection method: clinical testing. Allele origin: germline. Not counted in ClinVar's aggregate classification.
Comment: This variant is classified as likely benign based on ACMG/AMP sequence variant interpretation guidelines (Richards et al. 2015 PMID: 25741868, with internal and published modifications).

NM_015135.3(NUP205):c.4788G>A (p.Pro1596=)

Gene: NUP205 (nucleoporin 205; plus strand). Cytogenetic location: 7q33.
Variant type: single nucleotide variant.
Coding change: c.4788G>A on transcript NM_015135.3 (MANE Select); coding-DNA position 4788, G replaced by A.
Protein change: p.Pro1596=; no amino-acid change (proline 1596 retained).
Molecular consequence: synonymous variant.
Genome position (GRCh38, 1-based): chr7:135,626,356, G>A. VCF-style: chr7-135626356-G-A. GRCh37 (hg19) VCF-style: chr7-135311104-G-A.
Other names: c.4788G>A (NM_015135.2); c.3714G>A, p.Pro1238= (NM_001329434.2).
Identifiers: ClinVar variation 2738148 (VCV002738148.5), dbSNP rs766522861, ClinGen allele CA167062678.